The following is an entry in ClinVar:

NM_000465.4(BARD1):c.1843C>G (p.Gln615Glu)

Gene: BARD1 (BRCA1 associated RING domain 1; minus strand). Cytogenetic location: 2q35.
Variant type: single nucleotide variant.
Coding change: c.1843C>G on transcript NM_000465.4 (MANE Select); coding-DNA position 1843, C replaced by G.
Protein change: p.Gln615Glu; replaces glutamine 615 with glutamic acid.
Molecular consequence: missense variant. On other transcripts: non-coding transcript variant (3), intron variant (1).
Genome position (GRCh38, 1-based): chr2:214,745,127, G>C on the plus strand (C>G on the coding strand, the complement: BARD1 is on the minus strand). VCF-style: chr2-214745127-G-C. GRCh37 (hg19) VCF-style: chr2-215609851-G-C.
Other names: c.433C>G, p.Gln145Glu (NM_001282548.2); c.1786C>G, p.Gln596Glu (NM_001282543.2); c.490C>G, p.Gln164Glu (NM_001282545.2); c.365-14619C>G (NM_001282549.2); short protein forms Q615E, Q164E, Q145E, Q596E.
Identifiers: ClinVar variation 482800 (VCV000482800.11), dbSNP rs751710099, ClinGen allele CA2090150.
Genomic context (GRCh38, chr2:214,745,127, plus strand): 5'-ATTCAAATTTTAGAATCCAGCATCCATTGAGAATCCCAAGCATACACTTCAAGGTACTTT[G>C]AACTGCATCACCAGGAACAACAACATGAGTTACTAAAATACAAAAAAAGCAGTAAGAGAA-3'
Protein context (NP_000456.2, residues 605-625): THVVVPGDAV[Gln615Glu]STLKCMLGIL

ClinVar aggregate classification (germline): Uncertain significance. Review status: criteria provided, multiple submitters, no conflicts (2 of 4 stars). 3 submissions from 3 submitters: Uncertain significance (3). Last evaluated 2025-11-13.

Conditions:
Familial cancer of breast. Also called: BREAST CANCER, FAMILIAL; Hereditary breast cancer; hereditary breast carcinoma. Identifiers: Orphanet 227535, MedGen C0346153, MONDO:0016419, OMIM 114480. Disease mechanism: loss of function.
Hereditary cancer-predisposing syndrome. Also called: Neoplastic Syndromes, Hereditary; Tumor predisposition; Hereditary Cancer Syndrome; Hereditary neoplastic syndrome. Identifiers: Orphanet 140162, MedGen C0027672, MeSH D009386, MONDO:0015356.

Allele frequency attached by ClinVar (database versions not stated): gnomAD exomes below 0.00001 and 0.00001; ExAC 0.00001.
gnomAD v4.1: 3 of 1,613,940 alleles (0.00019%); highest among the groups gnomAD compares: Non-Finnish European, 0.00025%; no homozygotes.

Submissions (3):

Labcorp Genetics (formerly Invitae), Labcorp
Classification: Uncertain significance for Familial cancer of breast. Last evaluated: 2025-11-13. Review status: criteria provided, single submitter. Criteria: Invitae Variant Classification Sherloc (09022015). Collection method: clinical testing. Allele origin: germline.
Comment: This sequence change replaces glutamine, which is neutral and polar, with glutamic acid, which is acidic and polar, at codon 615 of the BARD1 protein (p.Gln615Glu). This variant is present in population databases (rs751710099, gnomAD 0.0009%). This variant has not been reported in the literature in individuals affected with BARD1-related conditions. ClinVar contains an entry for this variant (Variation ID: 482800). An algorithm developed to predict the effect of missense changes on protein structure and function (PolyPhen-2) suggests that this variant is likely to be disruptive. In summary, the available evidence is currently insufficient to determine the role of this variant in disease. Therefore, it has been classified as a Variant of Uncertain Significance.

Ambry Genetics
Classification: Uncertain significance for Hereditary cancer-predisposing syndrome. Last evaluated: 2024-12-12. Review status: criteria provided, single submitter. Criteria: Ambry Variant Classification Scheme 2023. Collection method: clinical testing. Allele origin: germline.
Comment: The p.Q615E variant (also known as c.1843C>G), located in coding exon 9 of the BARD1 gene, results from a C to G substitution at nucleotide position 1843. The glutamine at codon 615 is replaced by glutamic acid, an amino acid with highly similar properties. This amino acid position is well conserved in available vertebrate species. In addition, the in silico prediction for this alteration is inconclusive. Based on the available evidence, the clinical significance of this variant remains unclear.

Color Diagnostics, LLC DBA Color Health
Classification: Uncertain significance for Hereditary cancer-predisposing syndrome. Last evaluated: 2019-10-02. Review status: criteria provided, single submitter. Criteria: ACMG Guidelines, 2015. Collection method: clinical testing. Allele origin: germline.
Comment: This missense variant replaces glutamine with glutamic acid at codon 615 of the BARD1 protein. Computational prediction tool suggests that this variant may not impact protein structure and function (internally defined REVEL score threshold ≤0.5, PMID: 27666373). Splice site prediction tools suggest that this variant may not impact RNA splicing. To our knowledge, functional studies have not been performed for this variant. This variant has not been reported in individuals affected with hereditary cancer in the literature. This variant has been identified in 1/251102 chromosomes in the general population by the Genome Aggregation Database (gnomAD). The available evidence is insufficient to determine the role of this variant in disease conclusively. Therefore, this variant is classified as a Variant of Uncertain Significance.